The following is an entry in ClinVar:

NM_000038.6(APC):c.1197A>G (p.Arg399=)

Gene: APC (APC regulator of Wnt signaling pathway; plus strand). Cytogenetic location: 5q22.2.
Variant type: single nucleotide variant.
Coding change: c.1197A>G on transcript NM_000038.6 (MANE Select); coding-DNA position 1197, A replaced by G.
Protein change: p.Arg399=; no amino-acid change (arginine 399 retained).
Molecular consequence: synonymous variant. On other transcripts: intron variant (4).
Genome position (GRCh38, 1-based): chr5:112,819,229, A>G. VCF-style: chr5-112819229-A-G. GRCh37 (hg19) VCF-style: chr5-112154926-A-G.
Other names: c.1197A>G, p.Arg399= (NM_001127510.3, NM_001354895.2, NM_001354896.2); c.1143A>G, p.Arg381= (NM_001127511.3); c.1227A>G, p.Arg409= (NM_001354897.2); c.1122A>G, p.Arg374= (NM_001354898.2); c.1113A>G, p.Arg371= (NM_001354899.2); c.1020A>G, p.Arg340= (NM_001354900.2, NM_001354901.2); c.348A>G, p.Arg116= (NM_001354906.2); c.964-40A>G (NM_001354902.2); and 3 more.
Identifiers: ClinVar variation 185636 (VCV000185636.9), dbSNP rs786202331, ClinGen allele CA004080.
Genomic context (GRCh38, chr5:112,819,229, plus strand): 5'-TCGGGCCAGGGCCAGTGCAGCACTCCACAACATCATTCACTCACAGCCTGATGACAAGAG[A>G]GGCAGGCGTGAAATCCGAGTCCTTCATCTTTTGGAACAGATACGCGCTTACTGTGAAACC-3'
Protein context (NP_000029.2, residues 389-409): NIIHSQPDDK[Arg399=]GRREIRVLHL

ClinVar aggregate classification (germline): Benign/Likely benign. Review status: criteria provided, multiple submitters, no conflicts (2 of 4 stars). 4 submissions from 4 submitters: Benign (1); Likely benign (3). Last evaluated 2024-09-02.

Conditions:
Hereditary cancer-predisposing syndrome. Also called: Hereditary neoplastic syndrome; Neoplastic Syndromes, Hereditary; Tumor predisposition; Hereditary Cancer Syndrome. Identifiers: Orphanet 140162, MedGen C0027672, MeSH D009386, MONDO:0015356.
Familial adenomatous polyposis 1 (FAP1). Also called: FAMILIAL ADENOMATOUS POLYPOSIS 1, ATTENUATED; POLYPOSIS, ADENOMATOUS INTESTINAL. Identifiers: MedGen C2713442, MONDO:0021056, OMIM 175100. Disease mechanism: loss of function.

gnomAD v4.1: 1 of 1,613,956 alleles (0.000062%); no homozygotes.

Submissions (4):

Labcorp Genetics (formerly Invitae), Labcorp
Classification: Likely benign for Familial adenomatous polyposis 1. Last evaluated: 2024-09-02. Review status: criteria provided, single submitter. Criteria: Invitae Variant Classification Sherloc (09022015). Collection method: clinical testing. Allele origin: germline.

Myriad Genetics, Inc.
Classification: Benign for Familial adenomatous polyposis 1. Last evaluated: 2024-03-01. Review status: criteria provided, single submitter. Criteria: Myriad Autosomal Dominant, Autosomal Recessive and X-Linked Classification Criteria (2023). Collection method: clinical testing. Allele origin: unknown.
Comment: This variant is considered benign. This variant is a silent/synonymous amino acid change and it is not expected to impact splicing.

Color Diagnostics, LLC DBA Color Health
Classification: Likely benign for Hereditary cancer-predisposing syndrome. Last evaluated: 2019-01-08. Review status: criteria provided, single submitter. Criteria: ACMG Guidelines, 2015. Collection method: clinical testing. Allele origin: germline.

Ambry Genetics
Classification: Likely benign for Hereditary cancer-predisposing syndrome. Last evaluated: 2014-07-16. Review status: criteria provided, single submitter. Criteria: Ambry Variant Classification Scheme 2023. Collection method: clinical testing. Allele origin: germline.